The following is an entry in ClinVar:

ClinVar aggregate classification (germline): Conflicting classifications of pathogenicity. Review status: criteria provided, conflicting classifications (1 of 4 stars). 5 submissions from 5 submitters: Uncertain significance (1); Benign (1); Likely benign (2). 1 of the submissions does not count toward it. Last evaluated 2026-07-25.

Conditions:
APC2-related disorder. Also called: APC2-Related Disorders; APC2-related condition.
Inborn genetic diseases. Identifiers: MedGen C0950123, MeSH D030342.

Allele frequency attached by ClinVar (database versions not stated): 1000 Genomes Project 30x 0.00016; 1000 Genomes Project 0.00020; TOPMed 0.00076; gnomAD 0.00094 and 0.00098; ESP Exome Variant Server 0.00100; gnomAD exomes 0.00115 and 0.00121; ExAC 0.00288.

Submissions (5):

GeneDx
Classification: Uncertain significance. Last evaluated: 2026-07-25. Review status: criteria provided, single submitter. Criteria: GeneDx Variant Classification Process June 2021. Collection method: clinical testing. Allele origin: germline.
Comment: In silico analysis suggests that this missense variant does not alter protein structure/function; Has not been previously published as pathogenic or benign to our knowledge

Labcorp Genetics (formerly Invitae), Labcorp
Classification: Benign. Last evaluated: 2025-11-10. Review status: criteria provided, single submitter. Criteria: Invitae Variant Classification Sherloc (09022015). Collection method: clinical testing. Allele origin: germline.

CeGaT Center for Human Genetics Tuebingen
Classification: Likely benign. Last evaluated: 2025-09-01. Review status: criteria provided, single submitter. Criteria: CeGaT Center For Human Genetics Tuebingen Variant Classification Criteria Version 2. Collection method: clinical testing. Allele origin: germline. Affected: yes. Observed: 2 variant alleles.
Comment: APC2: BP4, BS2

Ambry Genetics
Classification: Likely benign for Inborn genetic diseases. Last evaluated: 2021-09-01. Review status: criteria provided, single submitter. Criteria: Ambry Variant Classification Scheme 2023. Collection method: clinical testing. Allele origin: germline.

PreventionGenetics, part of Exact Sciences
Classification: Likely benign for APC2-related condition. Last evaluated: 2022-03-01. Review status: no assertion criteria provided. Collection method: clinical testing. Allele origin: germline. Not counted in ClinVar's aggregate classification.
Comment: This variant is classified as likely benign based on ACMG/AMP sequence variant interpretation guidelines (Richards et al. 2015 PMID: 25741868, with internal and published modifications).

NM_005883.3(APC2):c.209C>T (p.Thr70Met)

Gene: APC2 (APC regulator of Wnt signaling pathway 2; plus strand). Cytogenetic location: 19p13.3.
Variant type: single nucleotide variant.
Coding change: c.209C>T on transcript NM_005883.3 (MANE Select); coding-DNA position 209, C replaced by T.
Protein change: p.Thr70Met; replaces threonine 70 with methionine.
Molecular consequence: missense variant.
Genome position (GRCh38, 1-based): chr19:1,453,314, C>T. VCF-style: chr19-1453314-C-T. GRCh37 (hg19) VCF-style: chr19-1453313-C-T.
Other names: c.209C>T, p.Thr70Met (NM_001351273.1); short protein forms T70M.
Identifiers: ClinVar variation 741139 (VCV000741139.33), dbSNP rs144391493, ClinGen allele CA9044631.